The following is an entry in ClinVar:

NM_000095.3(COMP):c.929A>T (p.Asp310Val)

Gene: COMP (cartilage oligomeric matrix protein; minus strand). Cytogenetic location: 19p13.11.
Variant type: single nucleotide variant.
Coding change: c.929A>T on transcript NM_000095.3 (MANE Select); coding-DNA position 929, A replaced by T.
Protein change: p.Asp310Val; replaces aspartic acid 310 with valine.
Molecular consequence: missense variant.
Genome position (GRCh38, 1-based): chr19:18,788,258, T>A on the plus strand (A>T on the coding strand, the complement: COMP is on the minus strand). VCF-style: chr19-18788258-T-A. GRCh37 (hg19) VCF-style: chr19-18899067-T-A.
Other names: short protein forms D310V.
Identifiers: ClinVar variation 1370671 (VCV001370671.8), dbSNP rs752436941, ClinGen allele CA9316583.

ClinVar aggregate classification (germline): Uncertain significance (1 of 4 stars; one submission).

Allele frequency attached by ClinVar (database versions not stated): gnomAD exomes 0.00001 and 0.00002; ExAC 0.00002; TOPMed 0.00002; gnomAD 0.00003 and 0.00004.
gnomAD v4.1: 32 of 1,613,074 alleles (0.002%); highest among the groups gnomAD compares: Non-Finnish European, 0.0025%; no homozygotes.

Submission:

Labcorp Genetics (formerly Invitae), Labcorp
Classification: Uncertain significance. Last evaluated: 2024-09-26. Review status: criteria provided, single submitter. Criteria: Invitae Variant Classification Sherloc (09022015). Collection method: clinical testing. Allele origin: germline.
Comment: This sequence change replaces aspartic acid, which is acidic and polar, with valine, which is neutral and non-polar, at codon 310 of the COMP protein (p.Asp310Val). This variant is present in population databases (rs752436941, gnomAD 0.003%). This missense change has been observed in individual(s) with multiple epiphyseal dysplasia (PMID: 15756302). ClinVar contains an entry for this variant (Variation ID: 1370671). Invitae Evidence Modeling of protein sequence and biophysical properties (such as structural, functional, and spatial information, amino acid conservation, physicochemical variation, residue mobility, and thermodynamic stability) indicates that this missense variant is expected to disrupt COMP protein function with a positive predictive value of 80%. In summary, the available evidence is currently insufficient to determine the role of this variant in disease. Therefore, it has been classified as a Variant of Uncertain Significance.

Literature cited by the submitters: PubMed 15756302.